The following is an entry in ClinVar:

ClinVar aggregate classification (germline): Uncertain significance (1 of 4 stars; one submission).

Allele frequency attached by ClinVar (database versions not stated): gnomAD exomes below 0.00001.

Submission:

Labcorp Genetics (formerly Invitae), Labcorp
Classification: Uncertain significance. Last evaluated: 2023-07-07. Review status: criteria provided, single submitter. Criteria: Invitae Variant Classification Sherloc (09022015). Collection method: clinical testing. Allele origin: germline.
Comment: An algorithm developed to predict the effect of missense changes on protein structure and function (PolyPhen-2) suggests that this variant is likely to be tolerated. This sequence change replaces proline, which is neutral and non-polar, with serine, which is neutral and polar, at codon 102 of the SMARCD2 protein (p.Pro102Ser). This variant is present in population databases (no rsID available, gnomAD 0.003%). This variant has not been reported in the literature in individuals affected with SMARCD2-related conditions. ClinVar contains an entry for this variant (Variation ID: 1441153). In summary, the available evidence is currently insufficient to determine the role of this variant in disease. Therefore, it has been classified as a Variant of Uncertain Significance.

NM_001098426.2(SMARCD2):c.304C>T (p.Pro102Ser)

Gene: SMARCD2 (SWI/SNF related BAF chromatin remodeling complex subunit D2; minus strand). Cytogenetic location: 17q23.3.
Variant type: single nucleotide variant.
Coding change: c.304C>T on transcript NM_001098426.2 (MANE Select); coding-DNA position 304, C replaced by T.
Protein change: p.Pro102Ser; replaces proline 102 with serine.
Molecular consequence: missense variant.
Genome position (GRCh38, 1-based): chr17:63,837,538, G>A on the plus strand (C>T on the coding strand, the complement: SMARCD2 is on the minus strand). VCF-style: chr17-63837538-G-A. GRCh37 (hg19) VCF-style: chr17-61914898-G-A.
Other names: c.79C>T, p.Pro27Ser (NM_001330439.1); c.160C>T, p.Pro54Ser (NM_001330440.2); short protein forms P27S, P102S, P54S.
Identifiers: ClinVar variation 1441153 (VCV001441153.6), dbSNP rs1211430074, ClinGen allele CA400601636.